The following is an entry in ClinVar:

NM_000236.3(LIPC):c.1170-2A>G

Gene: LIPC (lipase C, hepatic type; plus strand). Cytogenetic location: 15q21.3.
Variant type: single nucleotide variant.
Coding change: c.1170-2A>G on transcript NM_000236.3 (MANE Select); the canonical splice acceptor site of the intron before coding-DNA position 1170, A replaced by G.
Molecular consequence: splice acceptor variant.
Genome position (GRCh38, 1-based): chr15:58,563,503, A>G. VCF-style: chr15-58563503-A-G. GRCh37 (hg19) VCF-style: chr15-58855702-A-G.
Identifiers: ClinVar variation 1385009 (VCV001385009.6), dbSNP rs770068099, ClinGen allele CA7585152.

ClinVar aggregate classification (germline): Uncertain significance (1 of 4 stars; one submission).

Allele frequency attached by ClinVar (database versions not stated): gnomAD exomes below 0.00001; ExAC 0.00001.
gnomAD v4.1: 6 of 1,612,516 alleles (0.00037%); highest among the groups gnomAD compares: South Asian, 0.0011%; no homozygotes.

Submission:

Labcorp Genetics (formerly Invitae), Labcorp
Classification: Uncertain significance. Last evaluated: 2025-05-20. Review status: criteria provided, single submitter. Criteria: Invitae Variant Classification Sherloc (09022015). Collection method: clinical testing. Allele origin: germline.
Comment: This sequence change affects an acceptor splice site in intron 7 of the LIPC gene. It is expected to disrupt RNA splicing. Variants that disrupt the donor or acceptor splice site typically lead to a loss of protein function (PMID: 16199547), however the current clinical and genetic evidence is not sufficient to establish whether loss-of-function variants in LIPC cause disease. This variant is present in population databases (rs770068099, gnomAD 0.003%). Disruption of this splice site has been observed in individual(s) with dyslipidemia (PMID: 36325899). ClinVar contains an entry for this variant (Variation ID: 1385009). Algorithms developed to predict the effect of sequence changes on RNA splicing suggest that this variant may disrupt the consensus splice site. In summary, the available evidence is currently insufficient to determine the role of this variant in disease. Therefore, it has been classified as a Variant of Uncertain Significance.

Literature cited by the submitters: PubMed 16199547; PubMed 36325899.